The following is an entry in ClinVar:

NM_000321.3(RB1):c.1731G>C (p.Lys577Asn)

Gene: RB1 (RB transcriptional corepressor 1; plus strand). Cytogenetic location: 13q14.2.
Variant type: single nucleotide variant.
Coding change: c.1731G>C on transcript NM_000321.3 (MANE Select); coding-DNA position 1731, G replaced by C.
Protein change: p.Lys577Asn; replaces lysine 577 with asparagine.
Molecular consequence: missense variant.
Genome position (GRCh38, 1-based): chr13:48,453,028, G>C. VCF-style: chr13-48453028-G-C. GRCh37 (hg19) VCF-style: chr13-49027164-G-C.
Other names: c.1731G>C (NM_000321.2); short protein forms K577N.
Identifiers: ClinVar variation 1021284 (VCV001021284.10), dbSNP rs1949337837, ClinGen allele CA388165499.
Genomic context (GRCh38, chr13:48,453,028, plus strand): 5'-TTTAATTTCATCATGTTTCATATAGGATTCACCTTTATTTGATCTTATTAAACAATCAAA[G>C]GACCGAGAAGGACCAACTGATCACCTTGAATCTGCTTGTCCTCTTAATCTTCCTCTCCAG-3'
Protein context (NP_000312.2, residues 567-587): SPLFDLIKQS[Lys577Asn]DREGPTDHLE

ClinVar aggregate classification (germline): Uncertain significance. Review status: criteria provided, multiple submitters, no conflicts (2 of 4 stars). 2 submissions from 2 submitters: Uncertain significance (2). Last evaluated 2023-07-13.

Conditions:
Hereditary cancer-predisposing syndrome. Also called: Hereditary Cancer Syndrome; Neoplastic Syndromes, Hereditary; Tumor predisposition; Hereditary neoplastic syndrome. Identifiers: Orphanet 140162, MedGen C0027672, MeSH D009386, MONDO:0015356.
Retinoblastoma (RB1). Also called: RETINOBLASTOMA, SOMATIC. Identifiers: Orphanet 790, MedGen C0035335, MeSH D012175, MONDO:0008380, OMIM 180200, HP:0009919. Disease mechanism: loss of function. Inheritance: Both sporadic and heritable forms are tested..

Submissions (2):

Ambry Genetics
Classification: Uncertain significance for Hereditary cancer-predisposing syndrome. Last evaluated: 2023-07-13. Review status: criteria provided, single submitter. Criteria: Ambry Variant Classification Scheme 2023. Collection method: clinical testing. Allele origin: germline.
Comment: The p.K577N variant (also known as c.1731G>C), located in coding exon 18 of the RB1 gene, results from a G to C substitution at nucleotide position 1731. The lysine at codon 577 is replaced by asparagine, an amino acid with similar properties. This amino acid position is conserved. In addition, this alteration is predicted to be tolerated by in silico analysis. Since supporting evidence is limited at this time, the clinical significance of this alteration remains unclear.

Labcorp Genetics (formerly Invitae), Labcorp
Classification: Uncertain significance for Retinoblastoma. Last evaluated: 2022-07-19. Review status: criteria provided, single submitter. Criteria: Invitae Variant Classification Sherloc (09022015). Collection method: clinical testing. Allele origin: germline.
Comment: This variant is not present in population databases (gnomAD no frequency). This variant has not been reported in the literature in individuals affected with RB1-related conditions. ClinVar contains an entry for this variant (Variation ID: 1021284). Algorithms developed to predict the effect of missense changes on protein structure and function are either unavailable or do not agree on the potential impact of this missense change (SIFT: "Deleterious"; PolyPhen-2: "Benign"; Align-GVGD: "Class C15"). In summary, the available evidence is currently insufficient to determine the role of this variant in disease. Therefore, it has been classified as a Variant of Uncertain Significance. This sequence change replaces lysine, which is basic and polar, with asparagine, which is neutral and polar, at codon 577 of the RB1 protein (p.Lys577Asn).